The following is an entry in ClinVar:

ClinVar aggregate classification (germline): Pathogenic (1 of 4 stars; one submission).

Conditions:
Juvenile polyposis syndrome (JPS). Identifiers: Orphanet 2929, MedGen C0345893, MONDO:0017380, OMIM 174900.

Submission:

Labcorp Genetics (formerly Invitae), Labcorp
Classification: Pathogenic for Juvenile polyposis syndrome. Last evaluated: 2021-01-28. Review status: criteria provided, single submitter. Criteria: Invitae Variant Classification Sherloc (09022015). Collection method: clinical testing. Allele origin: germline.
Comment: For these reasons, this variant has been classified as Pathogenic. This variant has not been reported in the literature in individuals with BMPR1A-related conditions. This variant is a gross deletion of the genomic region encompassing exon(s) 10 of the BMPR1A gene. This deletion is out-of-frame, and is expected to create a premature translational stop signal and result in an absent or disrupted protein product. Loss-of-function variants in BMPR1A are known to be pathogenic (PMID: 11536076, 12417513).

Literature cited by the submitters: PubMed 11536076; PubMed 12417513.

NC_000010.10:g.(?_88678919)_(88679236_?)del

Gene: BMPR1A (bone morphogenetic protein receptor type 1A; plus strand). Cytogenetic location: 10q23.2.
Variant type: Deletion.
Identifiers: ClinVar variation 1455939 (VCV001455939.7).